The following is an entry in ClinVar:

ClinVar aggregate classification (germline): Uncertain significance (0 of 4 stars; one submission).

Conditions:
NRP1-related disorder. Also called: NRP1-related condition.

Allele frequency attached by ClinVar (database versions not stated): gnomAD 0.00003; 1000 Genomes Project 30x 0.00016; 1000 Genomes Project 0.00020; ExAC 0.00001; gnomAD exomes 0.00002.
gnomAD v4.1: 38 of 1,612,562 alleles (0.0024%); highest among the groups gnomAD compares: Admixed American, 0.0067%; no homozygotes.

Submission:

PreventionGenetics, part of Exact Sciences
Classification: Uncertain significance for NRP1-related condition. Last evaluated: 2024-01-25. Review status: no assertion criteria provided. Collection method: clinical testing. Allele origin: germline.
Comment: The NRP1 c.271G>A variant is predicted to result in the amino acid substitution p.Asp91Asn. To our knowledge, this variant has not been reported in the literature. This variant is reported in 0.0088% of alleles in individuals of Latino descent in gnomAD. At this time, the clinical significance of this variant is uncertain due to the absence of conclusive functional and genetic evidence.

NM_003873.7(NRP1):c.271G>A (p.Asp91Asn)

Gene: NRP1 (neuropilin 1; minus strand). Cytogenetic location: 10p11.22.
Variant type: single nucleotide variant.
Coding change: c.271G>A on transcript NM_003873.7 (MANE Select); coding-DNA position 271, G replaced by A.
Protein change: p.Asp91Asn; replaces aspartic acid 91 with asparagine.
Molecular consequence: missense variant.
Genome position (GRCh38, 1-based): chr10:33,270,834, C>T on the plus strand (G>A on the coding strand, the complement: NRP1 is on the minus strand). VCF-style: chr10-33270834-C-T. GRCh37 (hg19) VCF-style: chr10-33559762-C-T.
Other names: c.271G>A, p.Asp91Asn (NM_001024628.3, NM_001024629.3, NM_001244972.2 and 2 more transcripts); short protein forms D91N.
Identifiers: ClinVar variation 3029392 (VCV003029392.2), dbSNP rs533652148, ClinGen allele CA5466993.
Genomic context (GRCh38, chr10:33,270,834, plus strand): 5'-GAGGAGGGGCTATCTTTCCACAGAACTTTCCCCTAAAATGTCCATTTTCATTTTCTCCAT[C>T]GAAGACTTCCACGTAGTCATACCTAATACACAAACATGGAAGAAAACATTAGGTTGGTGA-3'
Protein context (NP_003864.5, residues 81-101): DCKYDYVEVF[Asp91Asn]GENENGHFRG